The following is an entry in ClinVar:

NM_000052.7(ATP7A):c.725C>G (p.Pro242Arg)

Gene: ATP7A (ATPase copper transporting alpha; plus strand). Cytogenetic location: Xq21.1.
Variant type: single nucleotide variant.
Coding change: c.725C>G on transcript NM_000052.7 (MANE Select); coding-DNA position 725, C replaced by G.
Protein change: p.Pro242Arg; replaces proline 242 with arginine.
Molecular consequence: missense variant.
Genome position (GRCh38, 1-based): chrX:77,989,347, C>G. VCF-style: chrX-77989347-C-G. GRCh37 (hg19) VCF-style: chrX-77244843-C-G.
Other names: c.725C>G, p.Pro242Arg (NM_001282224.2); c.725C>G (NM_000052.4); short protein forms P242R.
Identifiers: ClinVar variation 1917396 (VCV001917396.7), dbSNP rs2522293013, ClinGen allele CA413600682.

ClinVar aggregate classification (germline): Uncertain significance. Review status: criteria provided, multiple submitters, no conflicts (2 of 4 stars). 3 submissions from 3 submitters: Uncertain significance (3). Last evaluated 2025-01-26.

Conditions:
Cutis laxa, X-linked (OHS). Also called: EDS IX; Occipital horn syndrome. Identifiers: Orphanet 198, MedGen C0268353, MONDO:0010572, OMIM 304150.
Menkes kinky-hair syndrome (MNK). Also called: Classic Menkes Disease; Copper transport disease; Menkes Disease. Identifiers: Orphanet 565, MedGen C0022716, MONDO:0010651, OMIM 309400.
X-linked distal spinal muscular atrophy type 3. Also called: NEURONOPATHY, DISTAL HEREDITARY MOTOR, X-LINKED; NEUROPATHY, DISTAL HEREDITARY MOTOR, X-LINKED; ATP7A-Related Distal Motor Neuropathy; SPINAL MUSCULAR ATROPHY, DISTAL, X-LINKED RECESSIVE. Identifiers: Orphanet 139557, MedGen C1845359, MONDO:0010338, OMIM 300489.
Inborn genetic diseases. Identifiers: MedGen C0950123, MeSH D030342.

Allele frequency attached by ClinVar (database versions not stated): gnomAD exomes below 0.00001.
gnomAD v4.1: 1 of 1,211,054 alleles (0.000083%); highest among the groups gnomAD compares: Non-Finnish European, 0.00011%; no homozygotes.

Submissions (3):

Ambry Genetics
Classification: Uncertain significance for Inborn genetic diseases. Last evaluated: 2025-01-26. Review status: criteria provided, single submitter. Criteria: Ambry Variant Classification Scheme 2023. Collection method: clinical testing. Allele origin: germline.

Women's Health and Genetics/Laboratory Corporation of America, LabCorp
Classification: Uncertain significance. Last evaluated: 2024-12-26. Review status: criteria provided, single submitter. Criteria: LabCorp Variant Classification Summary - May 2015. Collection method: clinical testing. Allele origin: germline.
Comment: Variant summary: ATP7A c.725C>G (p.Pro242Arg) results in a non-conservative amino acid change located in the Heavy-metal-associated domain profile (IPR036163) of the encoded protein sequence. Three of five in-silico tools predict a damaging effect of the variant on protein function. The variant was absent in 182936 control chromosomes. The available data on variant occurrences in the general population are insufficient to allow any conclusion about variant significance. To our knowledge, no occurrence of c.725C>G in individuals affected with Menkes kinky-hair syndrome and no experimental evidence demonstrating its impact on protein function have been reported. ClinVar contains an entry for this variant (Variation ID: 1917396). Based on the evidence outlined above, the variant was classified as uncertain significance.

Labcorp Genetics (formerly Invitae), Labcorp
Classification: Uncertain significance for X-linked distal spinal muscular atrophy type 3; Cutis laxa, X-linked; Menkes kinky-hair syndrome. Last evaluated: 2024-01-08. Review status: criteria provided, single submitter. Criteria: Invitae Variant Classification Sherloc (09022015). Collection method: clinical testing. Allele origin: germline.
Comment: This sequence change replaces proline, which is neutral and non-polar, with arginine, which is basic and polar, at codon 242 of the ATP7A protein (p.Pro242Arg). This variant is not present in population databases (gnomAD no frequency). This variant has not been reported in the literature in individuals affected with ATP7A-related conditions. ClinVar contains an entry for this variant (Variation ID: 1917396). Advanced modeling of protein sequence and biophysical properties (such as structural, functional, and spatial information, amino acid conservation, physicochemical variation, residue mobility, and thermodynamic stability) performed at Invitae indicates that this missense variant is not expected to disrupt ATP7A protein function with a negative predictive value of 95%. In summary, the available evidence is currently insufficient to determine the role of this variant in disease. Therefore, it has been classified as a Variant of Uncertain Significance.